The following is an entry in ClinVar:

NM_001371623.1(TCOF1):c.188G>A (p.Arg63Gln)

Gene: TCOF1 (treacle ribosome biogenesis factor 1; plus strand). Cytogenetic location: 5q32.
Variant type: single nucleotide variant.
Coding change: c.188G>A on transcript NM_001371623.1 (MANE Select); coding-DNA position 188, G replaced by A.
Protein change: p.Arg63Gln; replaces arginine 63 with glutamine.
Molecular consequence: missense variant.
Genome position (GRCh38, 1-based): chr5:150,364,136, G>A. VCF-style: chr5-150364136-G-A. GRCh37 (hg19) VCF-style: chr5-149743699-G-A.
Other names: c.188G>A (NM_001135243.1); c.188G>A, p.Arg63Gln (NM_000356.4, NM_001008657.3, NM_001135243.2 and 3 more transcripts); short protein forms R63Q.
Identifiers: ClinVar variation 1206377 (VCV001206377.10), dbSNP rs371609378, ClinGen allele CA3510492.

ClinVar aggregate classification (germline): Conflicting classifications of pathogenicity. Review status: criteria provided, conflicting classifications (1 of 4 stars). 6 submissions from 6 submitters: Uncertain significance (2); Likely benign (1). 3 of the submissions do not count toward it. Last evaluated 2024-04-15.

Conditions:
TCOF1-related disorder. Also called: TCOF1-related condition.
Inborn genetic diseases. Identifiers: MedGen C0950123, MeSH D030342.
Treacher Collins syndrome 1 (TCS1). Also called: TCOF1-Related Treacher Collins Syndrome. Identifiers: Orphanet 861, MedGen CN315775, MONDO:0007944, OMIM 154500.

Allele frequency attached by ClinVar (database versions not stated): TOPMed 0.00011; gnomAD exomes 0.00012; gnomAD 0.00013 and 0.00014; ExAC 0.00015; ESP Exome Variant Server 0.00031.
gnomAD v4.1: 196 of 1,614,022 alleles (0.012%); highest among the groups gnomAD compares: Middle Eastern, 0.016%; no homozygotes.

Submissions (6):

Blueprint Genetics
Classification: Likely benign. Last evaluated: 2024-04-15. Review status: criteria provided, single submitter. Criteria: ACMG Guidelines, 2015. Collection method: clinical testing. Allele origin: germline.

Labcorp Genetics (formerly Invitae), Labcorp
Classification: Uncertain significance for Treacher Collins syndrome 1. Last evaluated: 2023-12-17. Review status: criteria provided, single submitter. Criteria: Invitae Variant Classification Sherloc (09022015). Collection method: clinical testing. Allele origin: germline.
Comment: This sequence change replaces arginine, which is basic and polar, with glutamine, which is neutral and polar, at codon 63 of the TCOF1 protein (p.Arg63Gln). This variant is present in population databases (rs371609378, gnomAD 0.02%). This variant has not been reported in the literature in individuals affected with TCOF1-related conditions. ClinVar contains an entry for this variant (Variation ID: 1206377). Advanced modeling of protein sequence and biophysical properties (such as structural, functional, and spatial information, amino acid conservation, physicochemical variation, residue mobility, and thermodynamic stability) performed at Invitae indicates that this missense variant is not expected to disrupt TCOF1 protein function with a negative predictive value of 80%. In summary, the available evidence is currently insufficient to determine the role of this variant in disease. Therefore, it has been classified as a Variant of Uncertain Significance.

Ambry Genetics
Classification: Uncertain significance for Inborn genetic diseases. Last evaluated: 2023-08-08. Review status: criteria provided, single submitter. Criteria: Ambry Variant Classification Scheme 2023. Collection method: clinical testing. Allele origin: germline.

PreventionGenetics, part of Exact Sciences
Classification: Likely benign for TCOF1-related condition. Last evaluated: 2020-12-14. Review status: no assertion criteria provided. Collection method: clinical testing. Allele origin: germline. Not counted in ClinVar's aggregate classification.
Comment: This variant is classified as likely benign based on ACMG/AMP sequence variant interpretation guidelines (Richards et al. 2015 PMID: 25741868, with internal and published modifications).

Clinical Genetics DNA and cytogenetics Diagnostics Lab, Erasmus MC, Erasmus Medical Center
Classification: Likely benign. Review status: no assertion criteria provided. Collection method: clinical testing. Allele origin: germline. Affected: yes. Study: VKGL Data-share Consensus. Not counted in ClinVar's aggregate classification.

Laboratory of Diagnostic Genome Analysis, Leiden University Medical Center (LUMC)
Classification: Likely benign. Review status: no assertion criteria provided. Collection method: clinical testing. Allele origin: germline. Affected: yes. Study: VKGL Data-share Consensus. Not counted in ClinVar's aggregate classification.